The following is an entry in ClinVar:

NM_001353345.2(SETD1B):c.1195C>T (p.Pro399Ser)

Gene: SETD1B (SET domain containing 1B, histone lysine methyltransferase; plus strand). Cytogenetic location: 12q24.31.
Variant type: single nucleotide variant.
Coding change: c.1195C>T on transcript NM_001353345.2 (MANE Select); coding-DNA position 1195, C replaced by T.
Protein change: p.Pro399Ser; replaces proline 399 with serine.
Molecular consequence: missense variant.
Genome position (GRCh38, 1-based): chr12:121,810,140, C>T. VCF-style: chr12-121810140-C-T. GRCh37 (hg19) VCF-style: chr12-122248046-C-T.
Other names: short protein forms P399S.
Identifiers: ClinVar variation 5020265 (VCV005020265.1).

ClinVar aggregate classification (germline): Uncertain significance (1 of 4 stars; one submission).

Submission:

Dasa
Classification: Uncertain significance. Last evaluated: 2026-07-03. Review status: criteria provided, single submitter. Criteria: DASA Assertion Criteria. Collection method: clinical testing. Allele origin: germline.
Comment: NM_001353345.2(SETD1B):c.1195C>T (p.Pro399Ser) is a missense variant that results in the substitution of proline with serine. This variant is rare in population databases. The currently available literature and clinical evidence are not sufficient to establish a definitive association between this variant and the reported condition. Therefore, this variant is classified as a variant of uncertain significance.